The following is an entry in ClinVar:

ClinVar aggregate classification (germline): Benign/Likely benign. Review status: criteria provided, multiple submitters, no conflicts (2 of 4 stars). 4 submissions from 4 submitters: Benign (1); Likely benign (2). 1 of the submissions does not count toward it. Last evaluated 2025-03-06.

Conditions:
Pheochromocytoma/paraganglioma syndrome 5. Also called: Paragangliomas 5; SDHA-Related Hereditary Paraganglioma-Pheochromocytoma Syndrome. Identifiers: Orphanet 29072, MedGen C3279992, MONDO:0013602, OMIM 614165.
Mitochondrial complex II deficiency, nuclear type 1. Also called: SUCCINATE CoQ REDUCTASE DEFICIENCY. Identifiers: Orphanet 3208, MedGen C5700310, MONDO:0100294, OMIM 252011.
Hereditary cancer-predisposing syndrome. Also called: Tumor predisposition; Neoplastic Syndromes, Hereditary; Hereditary Cancer Syndrome; Hereditary neoplastic syndrome. Identifiers: Orphanet 140162, MedGen C0027672, MeSH D009386, MONDO:0015356.
SDHA-related disorder. Also called: SDHA-related condition; SDHA-related disorders.

Submissions (4):

Labcorp Genetics (formerly Invitae), Labcorp
Classification: Likely benign for Pheochromocytoma/paraganglioma syndrome 5; Mitochondrial complex II deficiency, nuclear type 1. Last evaluated: 2025-03-06. Review status: criteria provided, single submitter. Criteria: Invitae Variant Classification Sherloc (09022015). Collection method: clinical testing. Allele origin: germline.

Myriad Genetics, Inc.
Classification: Benign for Pheochromocytoma/paraganglioma syndrome 5. Last evaluated: 2025-03-03. Review status: criteria provided, single submitter. Criteria: Myriad Autosomal Dominant, Autosomal Recessive and X-Linked Classification Criteria (2023). Collection method: clinical testing. Allele origin: unknown.
Comment: This variant is considered benign. This variant is a silent/synonymous amino acid change and it is not expected to impact splicing.

Ambry Genetics
Classification: Likely benign for Hereditary cancer-predisposing syndrome. Last evaluated: 2023-05-26. Review status: criteria provided, single submitter. Criteria: Ambry Variant Classification Scheme 2023. Collection method: clinical testing. Allele origin: germline.

PreventionGenetics, part of Exact Sciences
Classification: Likely benign for SDHA-related condition. Last evaluated: 2023-07-18. Review status: no assertion criteria provided. Collection method: clinical testing. Allele origin: germline. Not counted in ClinVar's aggregate classification.
Comment: This variant is classified as likely benign based on ACMG/AMP sequence variant interpretation guidelines (Richards et al. 2015 PMID: 25741868, with internal and published modifications).

NM_004168.4(SDHA):c.891T>G (p.Pro297=)

Gene: SDHA (succinate dehydrogenase complex flavoprotein subunit A; plus strand). Cytogenetic location: 5p15.33.
Variant type: single nucleotide variant.
Coding change: c.891T>G on transcript NM_004168.4 (MANE Select); coding-DNA position 891, T replaced by G.
Protein change: p.Pro297=; no amino-acid change (proline 297 retained).
Molecular consequence: synonymous variant.
Genome position (GRCh38, 1-based): chr5:230,996, T>G. VCF-style: chr5-230996-T-G. GRCh37 (hg19) VCF-style: chr5-231111-T-G.
Other names: c.891T>G (NM_004168.3, NM_004168.2); c.747T>G, p.Pro249= (NM_001294332.2); c.891T>G, p.Pro297= (NM_001330758.2).
Identifiers: ClinVar variation 1099553 (VCV001099553.14), dbSNP rs1126417, ClinGen allele CA442691531.